The following is an entry in ClinVar:

ClinVar aggregate classification (germline): Uncertain significance (1 of 4 stars; one submission).

Conditions:
Inborn genetic diseases. Identifiers: MedGen C0950123, MeSH D030342.

Allele frequency attached by ClinVar (database versions not stated): gnomAD 0.00001; TOPMed 0.00001.
gnomAD v4.1: 9 of 1,588,248 alleles (0.00057%); highest among the groups gnomAD compares: Non-Finnish European, 0.00069%; no homozygotes.

Submission:

Ambry Genetics
Classification: Uncertain significance for Inborn genetic diseases. Last evaluated: 2021-09-07. Review status: criteria provided, single submitter. Criteria: Ambry Variant Classification Scheme 2023. Collection method: clinical testing. Allele origin: germline.
Comment: The c.1179+3G>A intronic variant results from a G to A substitution 3 nucleotides after coding exon 10 in the MTMR2 gene. This nucleotide position is not well conserved in available vertebrate species. In silico splice site analysis predicts that this alteration will not have any significant effect on splicing. Since supporting evidence is limited at this time, the clinical significance of this alteration remains unclear.

NM_016156.6(MTMR2):c.1179+3G>A

Gene: MTMR2 (myotubularin related protein 2; minus strand). Cytogenetic location: 11q21.
Variant type: single nucleotide variant.
Coding change: c.1179+3G>A on transcript NM_016156.6 (MANE Select); 3 bases into the intron after coding-DNA position 1179, G replaced by A.
Molecular consequence: intron variant.
Genome position (GRCh38, 1-based): chr11:95,847,711, C>T on the plus strand (G>A on the coding strand, the complement: MTMR2 is on the minus strand). VCF-style: chr11-95847711-C-T. GRCh37 (hg19) VCF-style: chr11-95580875-C-T.
Other names: c.963+3G>A (NM_201281.3, NM_201278.3, NM_001243571.2).
Identifiers: ClinVar variation 1741379 (VCV001741379.2), dbSNP rs754494874, ClinGen allele CA226600792.